The following is an entry in ClinVar:

NM_198334.3(GANAB):c.1834G>A (p.Gly612Arg)

Gene: GANAB (glucosidase II alpha subunit; minus strand). Cytogenetic location: 11q12.3.
Variant type: single nucleotide variant.
Coding change: c.1834G>A on transcript NM_198334.3 (MANE Select); coding-DNA position 1834, G replaced by A.
Protein change: p.Gly612Arg; replaces glycine 612 with arginine.
Molecular consequence: missense variant.
Genome position (GRCh38, 1-based): chr11:62,629,588, C>T on the plus strand (G>A on the coding strand, the complement: GANAB is on the minus strand). VCF-style: chr11-62629588-C-T. GRCh37 (hg19) VCF-style: chr11-62397060-C-T.
Other names: c.1558G>A, p.Gly520Arg (NM_001278192.2); c.1492G>A, p.Gly498Arg (NM_001278193.2); c.1543G>A, p.Gly515Arg (NM_001278194.2, NM_001329222.2, NM_001329223.2); c.1111G>A, p.Gly371Arg (NM_001329224.2, NM_001329225.2); c.1900G>A, p.Gly634Arg (NM_198335.4); short protein forms G371R, G498R, G515R, G520R, G612R, G634R.
Identifiers: ClinVar variation 4526540 (VCV004526540.1).

ClinVar aggregate classification (germline): Likely pathogenic (1 of 4 stars; one submission).

Conditions:
Polycystic kidney disease 3 with or without polycystic liver disease. Also called: POLYCYSTIC KIDNEY DISEASE, ADULT, TYPE III; Polycystic kidney disease 3; Polycystic Kidney and/or Polycystic Liver Disease 3. Identifiers: MedGen C3887964, MONDO:0010916, OMIM 600666.

Submission:

MVZ Medizinische Genetik Mainz
Classification: Likely pathogenic for Polycystic kidney disease 3 with or without polycystic liver disease. Last evaluated: 2025-05-26. Review status: criteria provided, single submitter. Criteria: UK Practice Guidelines For Variant Classification V4 01 2020. Collection method: clinical testing. Allele origin: germline. Inheritance: Autosomal dominant inheritance. Affected: yes. Observed: 1 variant allele.
Comment: ACMG Criteria: PP3_STR,PM2_SUP,PP4